The following is an entry in ClinVar:

NM_003073.5(SMARCB1):c.961T>A (p.Trp321Arg)

Gene: SMARCB1 (SWI/SNF related BAF chromatin remodeling complex subunit B1; plus strand). Cytogenetic location: 22q11.23.
Variant type: single nucleotide variant.
Coding change: c.961T>A on transcript NM_003073.5 (MANE Select); coding-DNA position 961, T replaced by A.
Protein change: p.Trp321Arg; replaces tryptophan 321 with arginine.
Molecular consequence: missense variant.
Genome position (GRCh38, 1-based): chr22:23,825,390, T>A. VCF-style: chr22-23825390-T-A. GRCh37 (hg19) VCF-style: chr22-24167577-T-A.
Other names: c.934T>A, p.Trp312Arg (NM_001007468.3); c.988T>A, p.Trp330Arg (NM_001317946.2); c.1015T>A, p.Trp339Arg (NM_001362877.2); short protein forms W339R, W321R, W312R, W330R.
Identifiers: ClinVar variation 1372690 (VCV001372690.8), dbSNP rs2146027158, ClinGen allele CA410907968.

ClinVar aggregate classification (germline): Uncertain significance (1 of 4 stars; one submission).

Submission:

Labcorp Genetics (formerly Invitae), Labcorp
Classification: Uncertain significance. Last evaluated: 2021-02-15. Review status: criteria provided, single submitter. Criteria: Invitae Variant Classification Sherloc (09022015). Collection method: clinical testing. Allele origin: germline.
Comment: In summary, the available evidence is currently insufficient to determine the role of this variant in disease. Therefore, it has been classified as a Variant of Uncertain Significance. Algorithms developed to predict the effect of missense changes on protein structure and function are either unavailable or do not agree on the potential impact of this missense change (SIFT: "Deleterious"; PolyPhen-2: "Possibly Damaging"; Align-GVGD: "Class C15"). This variant has not been reported in the literature in individuals with SMARCB1-related conditions. This variant is not present in population databases (ExAC no frequency). This sequence change replaces tryptophan with arginine at codon 321 of the SMARCB1 protein (p.Trp321Arg). The tryptophan residue is highly conserved and there is a moderate physicochemical difference between tryptophan and arginine.